The following is an entry in ClinVar:

ClinVar aggregate classification (germline): Conflicting classifications of pathogenicity. Review status: criteria provided, conflicting classifications (1 of 4 stars). 6 submissions from 4 submitters: Uncertain significance (3); Likely benign (2). 1 of the submissions does not count toward it. Last evaluated 2023-02-08.

Conditions:
Familial Mediterranean fever (FMF). Also called: POLYSEROSITIS, FAMILIAL PAROXYSMAL; POLYSEROSITIS, RECURRENT; Periodic peritonitis; Benign paroxysmal peritonitis. Identifiers: Orphanet 342, MedGen C0031069, MONDO:0018088, OMIM 249100. Disease mechanism: gain of function.
Familial Mediterranean fever, autosomal dominant. Also called: Dominant Familial Mediterranean Fever; FMF, AUTOSOMAL DOMINANT. Identifiers: Orphanet 342, MedGen C1851347, MONDO:0007601, OMIM 134610.
Acute febrile neutrophilic dermatosis (AFND). Also called: Sweet Syndrome; Gomm Button disease. Identifiers: Orphanet 3243, MedGen C0085077, MONDO:0011959, OMIM 608068.

Allele frequency attached by ClinVar (database versions not stated): TOPMed 0.00001; ESP Exome Variant Server 0.00008; gnomAD exomes below 0.00001.
gnomAD v4.1: 4 of 1,613,798 alleles (0.00025%); highest among the groups gnomAD compares: Non-Finnish European, 0.00034%; no homozygotes.

Submissions (6):

Genome-Nilou Lab
Classification: Uncertain significance for Familial Mediterranean fever. Last evaluated: 2023-02-08. Review status: criteria provided, single submitter. Criteria: ACMG Guidelines, 2015. Collection method: clinical testing. Allele origin: germline.

Genome-Nilou Lab
Classification: Likely benign for Familial Mediterranean fever, autosomal dominant. Last evaluated: 2023-02-08. Review status: criteria provided, single submitter. Criteria: ACMG Guidelines, 2015. Collection method: clinical testing. Allele origin: germline.

Genome-Nilou Lab
Classification: Likely benign for Acute febrile neutrophilic dermatosis. Last evaluated: 2023-02-08. Review status: criteria provided, single submitter. Criteria: ACMG Guidelines, 2015. Collection method: clinical testing. Allele origin: germline.

Labcorp Genetics (formerly Invitae), Labcorp
Classification: Uncertain significance for Familial Mediterranean fever. Last evaluated: 2022-08-23. Review status: criteria provided, single submitter. Criteria: Invitae Variant Classification Sherloc (09022015). Collection method: clinical testing. Allele origin: germline.
Comment: This sequence change replaces alanine, which is neutral and non-polar, with proline, which is neutral and non-polar, at codon 90 of the MEFV protein (p.Ala90Pro). This variant is not present in population databases (gnomAD no frequency). This variant has not been reported in the literature in individuals affected with MEFV-related conditions. ClinVar contains an entry for this variant (Variation ID: 1051961). Algorithms developed to predict the effect of missense changes on protein structure and function (SIFT, PolyPhen-2, Align-GVGD) all suggest that this variant is likely to be tolerated. In summary, the available evidence is currently insufficient to determine the role of this variant in disease. Therefore, it has been classified as a Variant of Uncertain Significance.

Fulgent Genetics
Classification: Uncertain significance for Familial Mediterranean fever, autosomal dominant; Familial Mediterranean fever; Acute febrile neutrophilic dermatosis. Last evaluated: 2022-04-11. Review status: criteria provided, single submitter. Criteria: ACMG Guidelines, 2015. Collection method: clinical testing. Allele origin: unknown.

Natera, Inc.
Classification: Uncertain significance for Familial Mediterranean fever. Last evaluated: 2020-02-13. Review status: no assertion criteria provided. Collection method: clinical testing. Allele origin: germline. Not counted in ClinVar's aggregate classification.

NM_000243.3(MEFV):c.268G>C (p.Ala90Pro)

Gene: MEFV (MEFV innate immunity regulator, pyrin; minus strand). Cytogenetic location: 16p13.3.
Variant type: single nucleotide variant.
Coding change: c.268G>C on transcript NM_000243.3 (MANE Select); coding-DNA position 268, G replaced by C.
Protein change: p.Ala90Pro; replaces alanine 90 with proline.
Molecular consequence: missense variant.
Genome position (GRCh38, 1-based): chr16:3,256,320, C>G on the plus strand (G>C on the coding strand, the complement: MEFV is on the minus strand). VCF-style: chr16-3256320-C-G. GRCh37 (hg19) VCF-style: chr16-3306320-C-G.
Other names: c.268G>C, p.Ala90Pro (NM_001198536.2); short protein forms A90P.
Identifiers: ClinVar variation 1051961 (VCV001051961.11), dbSNP rs376971129, ClinGen allele CA276904292.
Genomic context (GRCh38, chr16:3,256,320, plus strand): 5'-AAAGCAGCCAGCACTCAGCACTGGATGAGGAGGAGGCCTGGGCCCGCTTACCCTGAATGG[C>G]TGCCCTGTGGAGCTCCTCGGCCAGCAGGCGCTGGTTGATGGCCCGCAGGACCTGCAGGGT-3'
Protein context (NP_000234.1, residues 80-100): RLLAEELHRA[Ala90Pro]IQEYSTQENG